The following is an entry in ClinVar:

ClinVar aggregate classification (germline): Uncertain significance (1 of 4 stars; one submission).

Submission:

Labcorp Genetics (formerly Invitae), Labcorp
Classification: Uncertain significance. Last evaluated: 2024-06-25. Review status: criteria provided, single submitter. Criteria: Invitae Variant Classification Sherloc (09022015). Collection method: clinical testing. Allele origin: germline.
Comment: This sequence change replaces serine, which is neutral and polar, with asparagine, which is neutral and polar, at codon 29 of the PROKR2 protein (p.Ser29Asn). This variant is not present in population databases (gnomAD no frequency). This variant has not been reported in the literature in individuals affected with PROKR2-related conditions. Advanced modeling of protein sequence and biophysical properties (such as structural, functional, and spatial information, amino acid conservation, physicochemical variation, residue mobility, and thermodynamic stability) performed at Invitae indicates that this missense variant is not expected to disrupt PROKR2 protein function with a negative predictive value of 80%. In summary, the available evidence is currently insufficient to determine the role of this variant in disease. Therefore, it has been classified as a Variant of Uncertain Significance.

NM_144773.4(PROKR2):c.86G>A (p.Ser29Asn)

Gene: PROKR2 (prokineticin receptor 2; minus strand). Cytogenetic location: 20p12.3.
Variant type: single nucleotide variant.
Coding change: c.86G>A on transcript NM_144773.4 (MANE Select); coding-DNA position 86, G replaced by A.
Protein change: p.Ser29Asn; replaces serine 29 with asparagine.
Molecular consequence: missense variant.
Genome position (GRCh38, 1-based): chr20:5,314,284, C>T on the plus strand (G>A on the coding strand, the complement: PROKR2 is on the minus strand). VCF-style: chr20-5314284-C-T. GRCh37 (hg19) VCF-style: chr20-5294930-C-T.
Other names: short protein forms S29N.
Identifiers: ClinVar variation 3620715 (VCV003620715.2).